The following is an entry in ClinVar:

NM_017654.4(SAMD9):c.816T>G (p.Phe272Leu)

Gene: SAMD9 (sterile alpha motif domain containing 9; minus strand). Cytogenetic location: 7q21.2.
Variant type: single nucleotide variant.
Coding change: c.816T>G on transcript NM_017654.4 (MANE Select); coding-DNA position 816, T replaced by G.
Protein change: p.Phe272Leu; replaces phenylalanine 272 with leucine.
Molecular consequence: missense variant.
Genome position (GRCh38, 1-based): chr7:93,105,282, A>C on the plus strand (T>G on the coding strand, the complement: SAMD9 is on the minus strand). VCF-style: chr7-93105282-A-C. GRCh37 (hg19) VCF-style: chr7-92734595-A-C.
Other names: c.816T>G, p.Phe272Leu (NM_001193307.2); short protein forms F272L.
Identifiers: ClinVar variation 3792174 (VCV003792174.1).

ClinVar aggregate classification (germline): Uncertain significance (1 of 4 stars; one submission).

Conditions:
Inborn genetic diseases. Identifiers: MedGen C0950123, MeSH D030342.

Submission:

Ambry Genetics
Classification: Uncertain significance for Inborn genetic diseases. Last evaluated: 2025-03-14. Review status: criteria provided, single submitter. Criteria: Ambry Variant Classification Scheme 2023. Collection method: clinical testing. Allele origin: germline.
Comment: The p.F272L variant (also known as c.816T>G), located in coding exon 1 of the SAMD9 gene, results from a T to G substitution at nucleotide position 816. The phenylalanine at codon 272 is replaced by leucine, an amino acid with highly similar properties. This amino acid position is conserved. In addition, this alteration is predicted to be tolerated by in silico analysis. Based on the available evidence, the clinical significance of this variant remains unclear.